The following is an entry in ClinVar:

NM_024685.4(BBS10):c.327G>A (p.Met109Ile)

Gene: BBS10 (Bardet-Biedl syndrome 10; minus strand). Cytogenetic location: 12q21.2.
Variant type: single nucleotide variant.
Coding change: c.327G>A on transcript NM_024685.4 (MANE Select); coding-DNA position 327, G replaced by A.
Protein change: p.Met109Ile; replaces methionine 109 with isoleucine.
Molecular consequence: missense variant.
Genome position (GRCh38, 1-based): chr12:76,347,658, C>T on the plus strand (G>A on the coding strand, the complement: BBS10 is on the minus strand). VCF-style: chr12-76347658-C-T. GRCh37 (hg19) VCF-style: chr12-76741438-C-T.
Other names: c.327G>A (NM_024685.3); short protein forms M109I.
Identifiers: ClinVar variation 1359905 (VCV001359905.7), dbSNP rs1051916652, ClinGen allele CA239332514.

ClinVar aggregate classification (germline): Conflicting classifications of pathogenicity. Review status: criteria provided, conflicting classifications (1 of 4 stars). 3 submissions from 3 submitters: Uncertain significance (1); Likely benign (1). 1 of the submissions does not count toward it. Last evaluated 2024-05-13.

Conditions:
BBS10-related disorder. Also called: BBS10-related condition.
Inborn genetic diseases. Identifiers: MedGen C0950123, MeSH D030342.
Bardet-Biedl syndrome (BBS). Identifiers: Orphanet 110, MedGen C0752166, MONDO:0015229.

Allele frequency attached by ClinVar (database versions not stated): gnomAD exomes below 0.00001 and 0.00001; TOPMed below 0.00001.

Submissions (3):

Ambry Genetics
Classification: Likely benign for Inborn genetic diseases. Last evaluated: 2024-05-13. Review status: criteria provided, single submitter. Criteria: Ambry Variant Classification Scheme 2023. Collection method: clinical testing. Allele origin: germline.

Labcorp Genetics (formerly Invitae), Labcorp
Classification: Uncertain significance for Bardet-Biedl syndrome. Last evaluated: 2022-05-15. Review status: criteria provided, single submitter. Criteria: Invitae Variant Classification Sherloc (09022015). Collection method: clinical testing. Allele origin: germline.
Comment: This sequence change replaces methionine, which is neutral and non-polar, with isoleucine, which is neutral and non-polar, at codon 109 of the BBS10 protein (p.Met109Ile). This variant is present in population databases (no rsID available, gnomAD 0.006%). This variant has not been reported in the literature in individuals affected with BBS10-related conditions. Algorithms developed to predict the effect of missense changes on protein structure and function output the following: SIFT: "Tolerated"; PolyPhen-2: "Benign"; Align-GVGD: "Class C0". The isoleucine amino acid residue is found in multiple mammalian species, which suggests that this missense change does not adversely affect protein function. In summary, the available evidence is currently insufficient to determine the role of this variant in disease. Therefore, it has been classified as a Variant of Uncertain Significance.

PreventionGenetics, part of Exact Sciences
Classification: Uncertain significance for BBS10-related condition. Last evaluated: 2024-04-16. Review status: no assertion criteria provided. Collection method: clinical testing. Allele origin: germline. Not counted in ClinVar's aggregate classification.
Comment: The BBS10 c.327G>A variant is predicted to result in the amino acid substitution p.Met109Ile. To our knowledge, this variant has not been reported in the literature. This variant is reported in 0.0058% of alleles in individuals of Latino descent in gnomAD. At this time, the clinical significance of this variant is uncertain due to the absence of conclusive functional and genetic evidence.